The following is an entry in ClinVar:

NM_004560.4(ROR2):c.1189C>T (p.Arg397Ter)

Gene: ROR2 (ROR family WNT receptor 2; minus strand). Cytogenetic location: 9q22.31.
Variant type: single nucleotide variant.
Coding change: c.1189C>T on transcript NM_004560.4 (MANE Select); coding-DNA position 1189, C replaced by T.
Protein change: p.Arg397Ter; replaces arginine 397 with a stop codon.
Molecular consequence: nonsense. On other transcripts: synonymous variant (1).
Genome position (GRCh38, 1-based): chr9:91,726,738, G>A on the plus strand (C>T on the coding strand, the complement: ROR2 is on the minus strand). VCF-style: chr9-91726738-G-A. GRCh37 (hg19) VCF-style: chr9-94489020-G-A.
Other names: c.1155C>T, p.Pro385= (NM_001318204.2); short protein forms R397*.
Identifiers: ClinVar variation 983455 (VCV000983455.32), dbSNP rs1308509155, ClinGen allele CA373799828.

ClinVar aggregate classification (germline): Pathogenic. Review status: criteria provided, multiple submitters, no conflicts (2 of 4 stars). 6 submissions from 6 submitters: Pathogenic (5). 1 of the submissions does not count toward it. Last evaluated 2025-01-27.

Conditions:
Brachydactyly type B1 (BDB1). Identifiers: Orphanet 572385, Orphanet 93383, MedGen C1862112, MONDO:0007220, OMIM 113000.
Autosomal recessive Robinow syndrome (RRS1). Also called: COSTOVERTEBRAL SEGMENTATION DEFECT WITH MESOMELIA; COVESDEM SYNDROME; ROBINOW SYNDROME, AUTOSOMAL RECESSIVE 1; ROR2-Related Robinow Syndrome. Identifiers: Orphanet 1507, Orphanet 97360, MedGen C5399974, MONDO:0009999, OMIM 268310.

Allele frequency attached by ClinVar (database versions not stated): gnomAD exomes below 0.00001; gnomAD 0.00001.
gnomAD v4.1: 7 of 1,613,754 alleles (0.00043%); highest among the groups gnomAD compares: South Asian, 0.0044%; no homozygotes.

Submissions (6):

GeneDx
Classification: Pathogenic. Last evaluated: 2025-01-27. Review status: criteria provided, single submitter. Criteria: GeneDx Variant Classification Process June 2021. Collection method: clinical testing. Allele origin: germline. Affected: yes.
Comment: Nonsense variant predicted to result in protein truncation or nonsense mediated decay in a gene for which loss of function is a known mechanism of disease; Not observed at significant frequency in large population cohorts (gnomAD); Also known as R396X; This variant is associated with the following publications: (PMID: 25525159, 10932186, 35344616, 10932187)

CeGaT Center for Human Genetics Tuebingen
Classification: Pathogenic. Last evaluated: 2023-10-01. Review status: criteria provided, single submitter. Criteria: CeGaT Center For Human Genetics Tuebingen Variant Classification Criteria Version 2. Collection method: clinical testing. Allele origin: germline. Affected: yes. Observed: 1 variant allele.
Comment: ROR2: PVS1, PM2, PP4

Labcorp Genetics (formerly Invitae), Labcorp
Classification: Pathogenic. Last evaluated: 2023-02-09. Review status: criteria provided, single submitter. Criteria: Invitae Variant Classification Sherloc (09022015). Collection method: clinical testing. Allele origin: germline.
Comment: This sequence change creates a premature translational stop signal (p.Arg397*) in the ROR2 gene. It is expected to result in an absent or disrupted protein product. Loss-of-function variants in ROR2 are known to be pathogenic (PMID: 10932186). This variant is present in population databases (no rsID available, gnomAD 0.003%). This premature translational stop signal has been observed in individual(s) with Robinow syndrome (PMID: 10932187). ClinVar contains an entry for this variant (Variation ID: 983455). For these reasons, this variant has been classified as Pathogenic.

3billion
Classification: Pathogenic for Brachydactyly type B1. Review status: criteria provided, single submitter. Criteria: ACMG Guidelines, 2015. Collection method: clinical testing. Allele origin: unknown. Affected: yes. Observed: 1 heterozygote.
Comment: The variant is observed at an extremely low frequency in the gnomAD v2.1.1 dataset (total allele frequency: <0.001%). The variant is predicted to result in a loss or disruption of normal protein function through nonsense-mediated decay (NMD) or protein truncation. Multiple pathogenic variants are reported downstream of the variant. The variant has been reported to be associated with ROR2 related disorder (ClinVar ID: VCV000983455 / PMID: 10932186). Therefore, this variant is classified as Pathogenic according to the recommendation of ACMG/AMP guideline.

Juno Genomics, Hangzhou Juno Genomics, Inc
Classification: Pathogenic for Autosomal recessive Robinow syndrome. Review status: criteria provided, single submitter. Criteria: ACMG Guidelines, 2015. Collection method: clinical testing. Allele origin: germline.
Comment: Absent from controls (or at extremely low frequency if recessive) in Genome Aggregation Database.;Null variant in a gene where loss of function (LOF) is a known mechanism of disease.;For recessive disorders, detected in trans with a pathogenic variant.;Patient's phenotype or family history is highly specific for a disease with a single genetic etiology.

Lupski Lab, Baylor-Hopkins CMG, Baylor College of Medicine
Classification: Pathogenic for Autosomal recessive Robinow syndrome. Last evaluated: 2020-04-02. Review status: no assertion criteria provided. Collection method: research. Allele origin: unknown. Affected: yes and no. Observed: 3 variant alleles. Not counted in ClinVar's aggregate classification.

Literature cited by the submitters: PubMed 10932186 (cited by Labcorp Genetics (formerly Invitae), Labcorp and 3billion); PubMed 10932187 (cited by Labcorp Genetics (formerly Invitae), Labcorp).